The following is an entry in ClinVar:

NM_017780.4(CHD7):c.2347C>T (p.Pro783Ser)

Gene: CHD7 (chromodomain helicase DNA binding protein 7; plus strand). Cytogenetic location: 8q12.2.
Variant type: single nucleotide variant.
Coding change: c.2347C>T on transcript NM_017780.4 (MANE Select); coding-DNA position 2347, C replaced by T.
Protein change: p.Pro783Ser; replaces proline 783 with serine.
Molecular consequence: missense variant. On other transcripts: intron variant (1).
Genome position (GRCh38, 1-based): chr8:60,800,496, C>T. VCF-style: chr8-60800496-C-T. GRCh37 (hg19) VCF-style: chr8-61713055-C-T.
Other names: c.1716+19446C>T (NM_001316690.1); short protein forms P783S.
Identifiers: ClinVar variation 699842 (VCV000699842.18), dbSNP rs373873996, ClinGen allele CA4759678.
Genomic context (GRCh38, chr8:60,800,496, plus strand): 5'-CTGGAGTTCAAGATTTCTGATGAGGAGGCAGATGATGCAGATGCTGCTGGGAGGGATTCC[C>T]CCTCCAACACCTCCCAGTCAGAACAGCAGGTTAGTACCAGATCTGTGGGATTTATGGATG-3'
Protein context (NP_060250.2, residues 773-793): DDADAAGRDS[Pro783Ser]SNTSQSEQQE

ClinVar aggregate classification (germline): Conflicting classifications of pathogenicity. Review status: criteria provided, conflicting classifications (1 of 4 stars). 5 submissions from 5 submitters: Uncertain significance (1); Likely benign (3). 1 of the submissions does not count toward it. Last evaluated 2025-12-01.

Conditions:
CHD7-related disorder. Also called: CHD7-related condition.
CHARGE syndrome (CHARGE). Also called: Hittner Hirsch Kreh syndrome; CHARGE ASSOCIATION--COLOBOMA, HEART ANOMALY, CHOANAL ATRESIA, RETARDATION, GENITAL AND EAR ANOMALIES; Coloboma, heart anomaly, choanal atresia, retardation, genital and ear anomalies; CHARGE association; Hall-Hittner syndrome. Identifiers: Orphanet 138, MedGen C0265354, MONDO:0008965.
Hypogonadotropic hypogonadism 5 with or without anosmia (KAL5). Also called: HYPOGONADOTROPIC HYPOGONADISM 5 WITH ANOSMIA; HYPOGONADOTROPHIC HYPOGONADISM 5 WITHOUT ANOSMIA; CHD7-Related GnRH Deficiency (Kallmann Syndrome 5). Identifiers: Orphanet 478, MedGen C3552553, MONDO:0012880, OMIM 612370. Disease mechanism: loss of function.

Allele frequency attached by ClinVar (database versions not stated): TOPMed 0.00001; gnomAD exomes 0.00002 and 0.00009; gnomAD 0.00003; ExAC 0.00009; 1000 Genomes Project 0.00060; 1000 Genomes Project 30x 0.00078.
gnomAD v4.1: 54 of 1,613,728 alleles (0.0033%); highest among the groups gnomAD compares: East Asian, 0.062%; no homozygotes.

Submissions (5):

CeGaT Center for Human Genetics Tuebingen
Classification: Likely benign. Last evaluated: 2025-12-01. Review status: criteria provided, single submitter. Criteria: CeGaT Center For Human Genetics Tuebingen Variant Classification Criteria Version 2. Collection method: clinical testing. Allele origin: germline. Affected: yes. Observed: 1 variant allele.
Comment: CHD7: BS2

Labcorp Genetics (formerly Invitae), Labcorp
Classification: Likely benign for CHARGE syndrome. Last evaluated: 2025-11-04. Review status: criteria provided, single submitter. Criteria: Invitae Variant Classification Sherloc (09022015). Collection method: clinical testing. Allele origin: germline.

Fulgent Genetics
Classification: Uncertain significance for CHD7-related CHARGE syndrome; Hypogonadotropic hypogonadism 5 with or without anosmia. Last evaluated: 2024-06-10. Review status: criteria provided, single submitter. Criteria: ACMG Guidelines, 2015. Collection method: clinical testing. Allele origin: germline.

GeneDx
Classification: Likely benign. Last evaluated: 2021-02-24. Review status: criteria provided, single submitter. Criteria: GeneDx Variant Classification Process June 2021. Collection method: clinical testing. Allele origin: germline. Affected: yes.
Comment: This variant is associated with the following publications: (PMID: 27899157, 28209183, 24819706)

PreventionGenetics, part of Exact Sciences
Classification: Likely benign for CHD7-related condition. Last evaluated: 2024-08-07. Review status: no assertion criteria provided. Collection method: clinical testing. Allele origin: germline. Not counted in ClinVar's aggregate classification.
Comment: This variant is classified as likely benign based on ACMG/AMP sequence variant interpretation guidelines (Richards et al. 2015 PMID: 25741868, with internal and published modifications).